The following is an entry in ClinVar:

ClinVar aggregate classification (germline): Uncertain significance (1 of 4 stars; one submission).

Submission:

GeneDx
Classification: Uncertain significance. Last evaluated: 2021-01-05. Review status: criteria provided, single submitter. Criteria: GeneDx Variant Classification Process June 2021. Collection method: clinical testing. Allele origin: germline. Affected: yes.
Comment: Not observed in large population cohorts (Lek et al., 2016); In silico analysis supports that this missense variant has a deleterious effect on protein structure/function; Has not been previously published as pathogenic or benign to our knowledge

NM_001009944.3(PKD1):c.6695T>C (p.Phe2232Ser)

Gene: PKD1 (polycystin 1, transient receptor potential channel interacting; minus strand). Cytogenetic location: 16p13.3.
Variant type: single nucleotide variant.
Coding change: c.6695T>C on transcript NM_001009944.3 (MANE Select); coding-DNA position 6695, T replaced by C.
Protein change: p.Phe2232Ser; replaces phenylalanine 2232 with serine.
Molecular consequence: missense variant.
Genome position (GRCh38, 1-based): chr16:2,108,472, A>G on the plus strand (T>C on the coding strand, the complement: PKD1 is on the minus strand). VCF-style: chr16-2108472-A-G. GRCh37 (hg19) VCF-style: chr16-2158473-A-G.
Other names: c.6695T>C, p.Phe2232Ser (NM_000296.4); short protein forms F2232S.
Identifiers: ClinVar variation 1313817 (VCV001313817.2), dbSNP rs2151786592, ClinGen allele CA394373067.